The following is an entry in ClinVar:

NM_001367624.2(ZNF469):c.1556G>A (p.Gly519Glu)

Gene: ZNF469 (zinc finger protein 469; plus strand). Cytogenetic location: 16q24.2.
Variant type: single nucleotide variant.
Coding change: c.1556G>A on transcript NM_001367624.2 (MANE Select); coding-DNA position 1556, G replaced by A.
Protein change: p.Gly519Glu; replaces glycine 519 with glutamic acid.
Molecular consequence: missense variant.
Genome position (GRCh38, 1-based): chr16:88,429,026, G>A. VCF-style: chr16-88429026-G-A. GRCh37 (hg19) VCF-style: chr16-88495434-G-A.
Other names: NM_001127464.1:c.1556G>A; short protein forms G519E.
Identifiers: ClinVar variation 3821091 (VCV003821091.1).

ClinVar aggregate classification (germline): Uncertain significance (1 of 4 stars; one submission).

Conditions:
Cardiovascular phenotype. Identifiers: MedGen CN230736.

gnomAD v4.1: 1 of 1,549,460 alleles (0.000065%); highest among the groups gnomAD compares: Admixed American, 0.002%; no homozygotes.

Submission:

Ambry Genetics
Classification: Uncertain significance for Cardiovascular phenotype. Last evaluated: 2024-12-17. Review status: criteria provided, single submitter. Criteria: Ambry Variant Classification Scheme 2023. Collection method: clinical testing. Allele origin: germline.
Comment: The p.G519E variant (also known as c.1556G>A), located in coding exon 1 of the ZNF469 gene, results from a G to A substitution at nucleotide position 1556. The glycine at codon 519 is replaced by glutamic acid, an amino acid with similar properties. This amino acid position is conserved. In addition, this alteration is predicted to be tolerated by in silico analysis. Based on the available evidence, the clinical significance of this variant remains unclear.